The following is an entry in ClinVar:

ClinVar aggregate classification (germline): Uncertain significance. Review status: criteria provided, multiple submitters, no conflicts (2 of 4 stars). 7 submissions from 7 submitters: Uncertain significance (7). Last evaluated 2026-01-17.

Conditions:
HOXB13-related disorder. Also called: HOXB13-related condition; HOXB13-related disorders.
Hereditary cancer-predisposing syndrome. Also called: Tumor predisposition; Hereditary neoplastic syndrome; Neoplastic Syndromes, Hereditary; Hereditary Cancer Syndrome. Identifiers: Orphanet 140162, MedGen C0027672, MeSH D009386, MONDO:0015356.
Prostate cancer, hereditary, 9 (HPC9). Identifiers: Orphanet 1331, MedGen C1970250, MONDO:0012597, OMIM 610997.

Allele frequency attached by ClinVar (database versions not stated): TOPMed 0.00003; gnomAD exomes 0.00007 and below 0.00001; gnomAD 0.00002; ExAC 0.00001.
gnomAD v4.1: 105 of 1,613,758 alleles (0.0065%); highest among the groups gnomAD compares: Non-Finnish European, 0.0089%; no homozygotes.

Submissions (7):

Labcorp Genetics (formerly Invitae), Labcorp
Classification: Uncertain significance. Last evaluated: 2026-01-17. Review status: criteria provided, single submitter. Criteria: Invitae Variant Classification Sherloc (09022015). Collection method: clinical testing. Allele origin: germline.
Comment: This sequence change replaces glycine, which is neutral and non-polar, with valine, which is neutral and non-polar, at codon 72 of the HOXB13 protein (p.Gly72Val). This variant is present in population databases (rs774579054, gnomAD 0.002%). This variant has not been reported in the literature in individuals affected with HOXB13-related conditions. ClinVar contains an entry for this variant (Variation ID: 483481). Invitae Evidence Modeling of protein sequence and biophysical properties (such as structural, functional, and spatial information, amino acid conservation, physicochemical variation, residue mobility, and thermodynamic stability) indicates that this missense variant is not expected to disrupt HOXB13 protein function with a negative predictive value of 80%. In summary, the available evidence is currently insufficient to determine the role of this variant in disease. Therefore, it has been classified as a Variant of Uncertain Significance.

Ambry Genetics
Classification: Uncertain significance for Hereditary cancer-predisposing syndrome. Last evaluated: 2025-09-01. Review status: criteria provided, single submitter. Criteria: Ambry Variant Classification Scheme 2023. Collection method: clinical testing. Allele origin: germline.
Comment: The p.G72V variant (also known as c.215G>T), located in coding exon 1 of the HOXB13 gene, results from a G to T substitution at nucleotide position 215. The glycine at codon 72 is replaced by valine, an amino acid with dissimilar properties. This amino acid position is well conserved in available vertebrate species. In addition, this alteration is predicted to be tolerated by in silico analysis. Since supporting evidence is limited at this time, the clinical significance of this alteration remains unclear.

GeneDx
Classification: Uncertain significance. Last evaluated: 2023-09-06. Review status: criteria provided, single submitter. Criteria: GeneDx Variant Classification Process June 2021. Collection method: clinical testing. Allele origin: germline.
Comment: Not observed at significant frequency in large population cohorts (gnomAD); In silico analysis supports that this missense variant does not alter protein structure/function; Has not been previously published as pathogenic or benign to our knowledge

PreventionGenetics, part of Exact Sciences
Classification: Uncertain significance for HOXB13-related condition. Last evaluated: 2023-06-30. Review status: criteria provided, single submitter. Criteria: ACMG Guidelines, 2015. Collection method: clinical testing. Allele origin: germline.
Comment: The HOXB13 c.215G>T variant is predicted to result in the amino acid substitution p.Gly72Val. To our knowledge, this variant has not been reported in the literature. This variant is reported in 0.00089% of alleles in individuals of European (Non-Finnish) descent in gnomAD and has been interpreted in ClinVar as uncertain. At this time, the clinical significance of this variant is uncertain due to the absence of conclusive functional and genetic evidence.

Quest Diagnostics Nichols Institute San Juan Capistrano
Classification: Uncertain significance. Last evaluated: 2023-06-27. Review status: criteria provided, single submitter. Criteria: Quest Diagnostics criteria. Collection method: clinical testing. Allele origin: unknown.
Comment: This variant has not been reported in individuals with HOXB13-related conditions in the published literature. The frequency of this variant in the general population, 0.000004 (1/249832 chromosomes (Genome Aggregation Database)), is uninformative in the assessment of its pathogenicity. Analysis of this variant using bioinformatics tools for the prediction of the effect of amino acid changes on protein structure and function yielded conflicting predictions that this variant is benign or damaging. Additional analysis using software algorithms for the prediction of the effect of nucleotide changes on HOXB13 mRNA splicing yielded predictions that this variant may result in the gain of a cryptic splice site without affecting the natural splice sites . Based on the available information, we are unable to determine the clinical significance of this variant.

Women's Health and Genetics/Laboratory Corporation of America, LabCorp
Classification: Uncertain significance. Last evaluated: 2022-08-09. Review status: criteria provided, single submitter. Criteria: LabCorp Variant Classification Summary - May 2015. Collection method: clinical testing. Allele origin: germline.
Comment: Variant summary: HOXB13 c.215G>T (p.Gly72Val) results in a non-conservative amino acid change located in the Homeobox protein Hox1A3 N-terminal domain (IPR022067) of the encoded protein sequence. Three of five in-silico tools predict a damaging effect of the variant on protein function. The variant allele was found at a frequency of 4e-06 in 249832 control chromosomes. The available data on variant occurrences in the general population are insufficient to allow any conclusion about variant significance. To our knowledge, no occurrence of c.215G>T in individuals affected with Prostate/HOXB13-related Cancer and no experimental evidence demonstrating its impact on protein function have been reported. Two clinical diagnostic laboratories have submitted clinical-significance assessments for this variant to ClinVar after 2014 without evidence for independent evaluation. All laboratories classified the variant as uncertain significance. Based on the evidence outlined above, the variant was classified as uncertain significance.

Department of Pathology and Laboratory Medicine, Sinai Health System
Classification: Uncertain significance for Prostate cancer, hereditary, 9. Last evaluated: 2022-04-19. Review status: criteria provided, single submitter. Criteria: ACMG Guidelines, 2015. Collection method: clinical testing. Allele origin: germline. Affected: yes.

Literature cited by the submitters: PubMed 28272408 (cited by Quest Diagnostics Nichols Institute San Juan Capistrano).

NM_006361.6(HOXB13):c.215G>T (p.Gly72Val)

Gene: HOXB13 (homeobox B13; minus strand). Cytogenetic location: 17q21.32.
Variant type: single nucleotide variant.
Coding change: c.215G>T on transcript NM_006361.6 (MANE Select); coding-DNA position 215, G replaced by T.
Protein change: p.Gly72Val; replaces glycine 72 with valine.
Molecular consequence: missense variant.
Genome position (GRCh38, 1-based): chr17:48,728,379, C>A on the plus strand (G>T on the coding strand, the complement: HOXB13 is on the minus strand). VCF-style: chr17-48728379-C-A. GRCh37 (hg19) VCF-style: chr17-46805741-C-A.
Other names: short protein forms G72V.
Identifiers: ClinVar variation 483481 (VCV000483481.20), dbSNP rs774579054, ClinGen allele CA8634040.
Genomic context (GRCh38, chr17:48,728,379, plus strand): 5'-ACTCGGCAGGAGTAGTACCCGCCTCCAAAGTAACCATAAGGCACGGGAGCTGGGGACGTC[C>A]CCTGGGGCACCCCAGGGCATGGGTGGCATTGCTTTGGCGGCTCCGCCGAGCCTGGCAGAT-3'
Protein context (NP_006352.2, residues 62-82): QCHPCPGVPQ[Gly72Val]TSPAPVPYGY